The following is an entry in ClinVar:

NM_018979.4(WNK1):c.71C>T (p.Ala24Val)

Gene: WNK1 (WNK lysine deficient protein kinase 1; plus strand). Cytogenetic location: 12p13.33.
Variant type: single nucleotide variant.
Coding change: c.71C>T on transcript NM_018979.4 (MANE Select); coding-DNA position 71, C replaced by T.
Protein change: p.Ala24Val; replaces alanine 24 with valine.
Molecular consequence: missense variant.
Genome position (GRCh38, 1-based): chr12:753,636, C>T. VCF-style: chr12-753636-C-T. GRCh37 (hg19) VCF-style: chr12-862802-C-T.
Other names: c.71C>T, p.Ala24Val (NM_001184985.2, NM_014823.3, NM_213655.5); short protein forms A24V.
Identifiers: ClinVar variation 3575327 (VCV003575327.3).

ClinVar aggregate classification (germline): Uncertain significance. Review status: criteria provided, multiple submitters, no conflicts (2 of 4 stars). 2 submissions from 2 submitters: Uncertain significance (2). Last evaluated 2024-08-01.

Conditions:
Neuropathy, hereditary sensory and autonomic, type 2A (HSAN2A). Also called: ACROOSTEOLYSIS, GIACCAI TYPE; ACROOSTEOLYSIS, NEUROGENIC; MORVAN DISEASE; WNK1-Related HSAN2 (HSAN2A); HSAN IIA; NEUROPATHY, CONGENITAL SENSORY. Identifiers: Orphanet 970, MedGen C2752089, MONDO:0024309, OMIM 201300.
Pseudohypoaldosteronism type 2C (PHA2C). Also called: Pseudohypoaldosteronism Type IIC. Identifiers: Orphanet 757, Orphanet 88940, MedGen C1840391, MONDO:0013778, OMIM 614492.

gnomAD v4.1: 3 of 1,612,744 alleles (0.00019%); highest among the groups gnomAD compares: Admixed American, 0.0017%; no homozygotes.

Submissions (2):

Labcorp Genetics (formerly Invitae), Labcorp
Classification: Uncertain significance for Neuropathy, hereditary sensory and autonomic, type 2A; Pseudohypoaldosteronism type 2C. Last evaluated: 2024-08-01. Review status: criteria provided, single submitter. Criteria: Invitae Variant Classification Sherloc (09022015). Collection method: clinical testing. Allele origin: germline.
Comment: This sequence change replaces alanine, which is neutral and non-polar, with valine, which is neutral and non-polar, at codon 24 of the WNK1 protein (p.Ala24Val). This variant is present in population databases (no rsID available, gnomAD 0.003%). This variant has not been reported in the literature in individuals affected with WNK1-related conditions. Advanced modeling of protein sequence and biophysical properties (such as structural, functional, and spatial information, amino acid conservation, physicochemical variation, residue mobility, and thermodynamic stability) performed at Invitae indicates that this missense variant is not expected to disrupt WNK1 protein function with a negative predictive value of 95%. In summary, the available evidence is currently insufficient to determine the role of this variant in disease. Therefore, it has been classified as a Variant of Uncertain Significance.

Fulgent Genetics
Classification: Uncertain significance for Neuropathy, hereditary sensory and autonomic, type 2A; Pseudohypoaldosteronism type 2C. Last evaluated: 2024-01-16. Review status: criteria provided, single submitter. Criteria: ACMG Guidelines, 2015. Collection method: clinical testing. Allele origin: germline.